The following is an entry in ClinVar:

ClinVar aggregate classification (germline): Uncertain significance (1 of 4 stars; one submission).

Submission:

Labcorp Genetics (formerly Invitae), Labcorp
Classification: Uncertain significance. Last evaluated: 2022-05-12. Review status: criteria provided, single submitter. Criteria: Invitae Variant Classification Sherloc (09022015). Collection method: clinical testing. Allele origin: germline.
Comment: This variant results in a copy number gain of the genomic region encompassing exon(s) 17-23 of the LRP5 gene. This region includes the termination codon of the gene. This copy number gain extends beyond the assayed region for this gene and therefore may encompass additional genes. As the precise location of this event is unknown, it may be in tandem or it may be located elsewhere in the genome. This variant has not been reported in the literature in individuals affected with LRP5-related conditions. Experimental studies and prediction algorithms are not available or were not evaluated, and the functional significance of this variant is currently unknown. In summary, the available evidence is currently insufficient to determine the role of this variant in disease. Therefore, it has been classified as a Variant of Uncertain Significance.

NC_000011.9:g.(?_68197023)_(68458455_?)dup

Genes: GAL (galanin and GMAP prepropeptide; plus strand), LRP5 (LDL receptor related protein 5; plus strand), PPP6R3 (protein phosphatase 6 regulatory subunit 3; plus strand). Cytogenetic location: 11q13.2-13.3.
Variant type: Duplication.
Identifiers: ClinVar variation 2424412 (VCV002424412.4).